The following is an entry in ClinVar:

ClinVar aggregate classification (germline): Uncertain significance. Review status: criteria provided, multiple submitters, no conflicts (2 of 4 stars). 3 submissions from 3 submitters: Uncertain significance (3). Last evaluated 2026-06-09.

Conditions:
COL18A1-related disorder. Also called: COL18A1-related condition; COL18A1-related disorders.

Allele frequency attached by ClinVar (database versions not stated): ExAC 0.00003; TOPMed 0.00006; ESP Exome Variant Server 0.00009; gnomAD 0.00009.
gnomAD v4.1: 21 of 1,593,276 alleles (0.0013%); highest among the groups gnomAD compares: African/African-American, 0.026%; no homozygotes.

Submissions (3):

PreventionGenetics, part of Exact Sciences
Classification: Uncertain significance for COL18A1-related condition. Last evaluated: 2026-06-09. Review status: criteria provided, single submitter. Criteria: ACMG Guidelines, 2015. Collection method: clinical testing. Allele origin: germline.
Comment: The COL18A1 c.4068G>T variant is predicted to result in the amino acid substitution p.Met1356Ile. To our knowledge, this variant has not been reported in the literature. This variant is reported in 0.030% of alleles in individuals of African descent in gnomAD. At this time, the clinical significance of this variant is uncertain due to the absence of conclusive functional and genetic evidence.

Labcorp Genetics (formerly Invitae), Labcorp
Classification: Uncertain significance. Last evaluated: 2025-08-20. Review status: criteria provided, single submitter. Criteria: Invitae Variant Classification Sherloc (09022015). Collection method: clinical testing. Allele origin: germline.
Comment: This sequence change replaces methionine, which is neutral and non-polar, with isoleucine, which is neutral and non-polar, at codon 1176 of the COL18A1 protein (p.Met1176Ile). The frequency data for this variant in the population databases is considered unreliable, as metrics indicate poor data quality at this position in the gnomAD database. This variant has not been reported in the literature in individuals affected with COL18A1-related conditions. ClinVar contains an entry for this variant (Variation ID: 1348950). Experimental studies and prediction algorithms are not available or were not evaluated, and the functional significance of this variant is currently unknown. In summary, the available evidence is currently insufficient to determine the role of this variant in disease. Therefore, it has been classified as a Variant of Uncertain Significance.

Blueprint Genetics
Classification: Uncertain significance. Last evaluated: 2019-09-14. Review status: criteria provided, single submitter. Criteria: ACMG Guidelines, 2015. Collection method: clinical testing. Allele origin: germline.

NM_001379500.1(COL18A1):c.3537G>T (p.Met1179Ile)

Genes: COL18A1 (collagen type XVIII alpha 1 chain; plus strand), SLC19A1 (solute carrier family 19 member 1; minus strand). Cytogenetic location: 21q22.3.
Variant type: single nucleotide variant.
Coding change: c.3537G>T on transcript NM_001379500.1 (MANE Select); coding-DNA position 3537, G replaced by T.
Protein change: p.Met1179Ile; replaces methionine 1179 with isoleucine.
Molecular consequence: missense variant.
Genome position (GRCh38, 1-based): chr21:45,510,105, G>T. VCF-style: chr21-45510105-G-T. GRCh37 (hg19) VCF-style: chr21-46930019-G-T.
Other names: c.4068G>T, p.Met1356Ile (NM_030582.4); c.4773G>T, p.Met1591Ile (NM_130444.3); c.4068G>T (NM_030582.3); short protein forms M1356I, M1179I, M1591I.
Identifiers: ClinVar variation 1348950 (VCV001348950.8), dbSNP rs373470254, ClinGen allele CA10067947.
Genomic context (GRCh38, chr21:45,510,105, plus strand): 5'-CGCGCCCCTCTCCCCGCAGCTCCACCTGGTTGCGCTCAACAGCCCCCTGTCAGGCGGCAT[G>T]CGGGGCATCCGCGGGGCCGACTTCCAGTGCTTCCAGCAGGCGCGGGCCGTGGGGCTGGCG-3'
Protein context (NP_001366429.1, residues 1169-1189): VALNSPLSGG[Met1179Ile]RGIRGADFQC